The following is an entry in ClinVar:

ClinVar aggregate classification (germline): Uncertain significance. Review status: criteria provided, multiple submitters, no conflicts (2 of 4 stars). 2 submissions from 2 submitters: Uncertain significance (2). Last evaluated 2025-12-10.

gnomAD v4.1: 1 of 1,612,548 alleles (0.000062%); highest among the groups gnomAD compares: Admixed American, 0.0017%; no homozygotes.

Submissions (2):

Labcorp Genetics (formerly Invitae), Labcorp
Classification: Uncertain significance. Last evaluated: 2025-12-10. Review status: criteria provided, single submitter. Criteria: Invitae Variant Classification Sherloc (09022015). Collection method: clinical testing. Allele origin: germline.
Comment: This sequence change falls in intron 17 of the LRP5 gene. It does not directly change the encoded amino acid sequence of the LRP5 protein. It affects a nucleotide within the consensus splice site. This variant is present in population databases (no rsID available, gnomAD 0.0009%). This variant has not been reported in the literature in individuals affected with LRP5-related conditions. ClinVar contains an entry for this variant (Variation ID: 2893052). Variants that disrupt the consensus splice site are a relatively common cause of aberrant splicing (PMID: 17576681, 9536098). Algorithms developed to predict the effect of sequence changes on RNA splicing suggest that this variant may disrupt the consensus splice site. In summary, the available evidence is currently insufficient to determine the role of this variant in disease. Therefore, it has been classified as a Variant of Uncertain Significance.

GeneDx
Classification: Uncertain significance. Last evaluated: 2023-08-17. Review status: criteria provided, single submitter. Criteria: GeneDx Variant Classification Process June 2021. Collection method: clinical testing. Allele origin: germline. Affected: yes.
Comment: Not observed at significant frequency in large population cohorts (gnomAD); In silico analysis is inconclusive as to whether the variant alters gene splicing. In the absence of RNA/functional studies, the actual effect of this sequence change is unknown.; Has not been previously published as pathogenic or benign to our knowledge

Literature cited by the submitters: PubMed 17576681 (cited by Labcorp Genetics (formerly Invitae), Labcorp); PubMed 9536098 (cited by Labcorp Genetics (formerly Invitae), Labcorp).

NM_002335.4(LRP5):c.3764-3C>A

Gene: LRP5 (LDL receptor related protein 5; plus strand). Cytogenetic location: 11q13.2.
Variant type: single nucleotide variant.
Coding change: c.3764-3C>A on transcript NM_002335.4 (MANE Select); 3 bases into the intron before coding-DNA position 3764, C replaced by A.
Molecular consequence: intron variant.
Genome position (GRCh38, 1-based): chr11:68,433,599, C>A. VCF-style: chr11-68433599-C-A. GRCh37 (hg19) VCF-style: chr11-68201067-C-A.
Other names: c.2021-3C>A (NM_001291902.2).
Identifiers: ClinVar variation 2893052 (VCV002893052.4), dbSNP rs200397490, ClinGen allele CA599954290.